The following is an entry in ClinVar:

NM_019892.6(INPP5E):c.1283G>T (p.Gly428Val)

Gene: INPP5E (inositol polyphosphate-5-phosphatase E; minus strand). Cytogenetic location: 9q34.3.
Variant type: single nucleotide variant.
Coding change: c.1283G>T on transcript NM_019892.6 (MANE Select); coding-DNA position 1283, G replaced by T.
Protein change: p.Gly428Val; replaces glycine 428 with valine.
Molecular consequence: missense variant.
Genome position (GRCh38, 1-based): chr9:136,432,583, C>A on the plus strand (G>T on the coding strand, the complement: INPP5E is on the minus strand). VCF-style: chr9-136432583-C-A. GRCh37 (hg19) VCF-style: chr9-139327035-C-A.
Other names: c.1280G>T, p.Cys427Phe (NM_001318502.2); short protein forms C427F, G428V.
Identifiers: ClinVar variation 1356204 (VCV001356204.8), dbSNP rs1427552852, ClinGen allele CA375563687.

ClinVar aggregate classification (germline): Uncertain significance (1 of 4 stars; one submission).

Conditions:
Joubert syndrome. Also called: CEREBELLOPARENCHYMAL DISORDER IV; JOUBERT-BOLTSHAUSER SYNDROME; Familial aplasia of the vermis. Identifiers: Orphanet 475, MedGen C5979921, MONDO:0018772.

Submission:

Labcorp Genetics (formerly Invitae), Labcorp
Classification: Uncertain significance for Joubert syndrome. Last evaluated: 2021-04-13. Review status: criteria provided, single submitter. Criteria: Invitae Variant Classification Sherloc (09022015). Collection method: clinical testing. Allele origin: germline.
Comment: In summary, the available evidence is currently insufficient to determine the role of this variant in disease. Therefore, it has been classified as a Variant of Uncertain Significance. Advanced modeling of protein sequence and biophysical properties (such as structural, functional, and spatial information, amino acid conservation, physicochemical variation, residue mobility, and thermodynamic stability) performed at Invitae indicates that this missense variant is expected to disrupt INPP5E protein function. This variant has not been reported in the literature in individuals with INPP5E-related conditions. This variant is not present in population databases (ExAC no frequency). This sequence change replaces glycine with valine at codon 428 of the INPP5E protein (p.Gly428Val). The glycine residue is highly conserved and there is a moderate physicochemical difference between glycine and valine.